The following is an entry in ClinVar:

NM_001267550.2(TTN):c.88285A>G (p.Ile29429Val)

Genes: TTN (titin; minus strand), TTN-AS1 (TTN antisense RNA 1; plus strand). Cytogenetic location: 2q31.2.
Variant type: single nucleotide variant.
Coding change: c.88285A>G on transcript NM_001267550.2 (MANE Select); coding-DNA position 88285, A replaced by G.
Protein change: p.Ile29429Val; replaces isoleucine 29429 with valine.
Molecular consequence: missense variant.
Genome position (GRCh38, 1-based): chr2:178,556,869, T>C on the plus strand (A>G on the coding strand, the complement: TTN is on the minus strand). VCF-style: chr2-178556869-T-C. GRCh37 (hg19) VCF-style: chr2-179421596-T-C.
Other names: c.83362A>G, p.Ile27788Val (NM_001256850.1); c.61090A>G, p.Ile20364Val (NM_003319.4); c.80581A>G, p.Ile26861Val (NM_133378.4); c.61465A>G, p.Ile20489Val (NM_133432.3); c.61666A>G, p.Ile20556Val (NM_133437.4); short protein forms I26861V, I29429V, I27788V, I20489V, I20364V, I20556V.
Identifiers: ClinVar variation 191863 (VCV000191863.15), dbSNP rs373738818, ClinGen allele CA237731.

ClinVar aggregate classification (germline): Conflicting classifications of pathogenicity. Review status: criteria provided, conflicting classifications (1 of 4 stars). 12 submissions from 8 submitters: Uncertain significance (8); Likely benign (4). Last evaluated 2026-06-01.

Conditions:
Cardiovascular phenotype. Identifiers: MedGen CN230736.
Dilated cardiomyopathy 1G (CMD1G). Identifiers: Orphanet 154, MedGen C1858763, MONDO:0011400, OMIM 604145.
Autosomal recessive limb-girdle muscular dystrophy type 2J (LGMDR10). Also called: Limb-girdle muscular dystrophy, type 2J; MUSCULAR DYSTROPHY, LIMB-GIRDLE, AUTOSOMAL RECESSIVE 10. Identifiers: Orphanet 140922, MedGen C1837342, MONDO:0012127, OMIM 608807.
TTN-related disorder. Also called: TTN-related condition; TTN-related disease; TTN-related disorders.
Early-onset myopathy with fatal cardiomyopathy (CMYO5). Also called: CONGENITAL MYOPATHY 5 WITH CARDIOMYOPATHY; Salih Myopathy. Identifiers: Orphanet 289377, MedGen C2673677, MONDO:0012714, OMIM 611705. Disease mechanism: loss of function.
Myopathy, myofibrillar, 9, with early respiratory failure (MFM9). Also called: Hereditary myopathy with early respiratory failure; EDSTROM MYOPATHY; MYOPATHY, PROXIMAL, WITH EARLY RESPIRATORY MUSCLE INVOLVEMENT; Myopathy, distal, with early respiratory failure, autosomal dominant. Identifiers: Orphanet 178464, Orphanet 34521, MedGen C1863599, MONDO:0011362, OMIM 603689.
Tibial muscular dystrophy (TMD). Also called: Udd Distal Myopathy – Tibial Muscular Dystrophy; UDD MYOPATHY; Tibial muscular dystrophy, tardive. Identifiers: Orphanet 609, MedGen C1838244, MONDO:0010870, OMIM 600334.

Allele frequency attached by ClinVar (database versions not stated): ExAC 0.00006; gnomAD exomes 0.00006 and 0.00012; TOPMed 0.00008; gnomAD 0.00009; ESP Exome Variant Server 0.00025.
gnomAD v4.1: 199 of 1,613,612 alleles (0.012%); highest among the groups gnomAD compares: Non-Finnish European, 0.015%; no homozygotes.

Submissions (12):

PreventionGenetics, part of Exact Sciences
Classification: Uncertain significance for TTN-related condition. Last evaluated: 2026-06-01. Review status: criteria provided, single submitter. Criteria: ACMG Guidelines, 2015. Collection method: clinical testing. Allele origin: germline.
Comment: The TTN c.88285A>G variant is predicted to result in the amino acid substitution p.Ile29429Val. To our knowledge, this variant has not been reported in the literature. This variant is reported in 0.011% of alleles in individuals of European (Non-Finnish) descent in gnomAD. Although we suspect that this variant may be benign, at this time, the clinical significance of this variant is uncertain due to the absence of conclusive functional and genetic evidence.

Women's Health and Genetics/Laboratory Corporation of America, LabCorp
Classification: Uncertain significance. Last evaluated: 2022-06-16. Review status: criteria provided, single submitter. Criteria: LabCorp Variant Classification Summary - May 2015. Collection method: clinical testing. Allele origin: germline.
Comment: Variant summary: TTN c.80581A>G (p.Ile26861Val) results in a conservative amino acid change located in the A band of the encoded protein sequence. Five of five in-silico tools predict a benign effect of the variant on protein function. The variant allele was found at a frequency of 6e-05 in 248352 control chromosomes (gnomAD). This frequency is not significantly higher than expected for a pathogenic variant in TTN causing Dilated Cardiomyopathy (6e-05 vs 0.00039), allowing no conclusion about variant significance. c.80581A>G has been reported in the literature in individuals affected with Hypertrophic Cardiomyopathy or sudden unknown death; without evidence for causality (example: Campuzano_2015 and Thomson_2019). These reports do not provide unequivocal conclusions about association of the variant with Dilated Cardiomyopathy. To our knowledge, no experimental evidence demonstrating an impact on protein function has been reported. Four clinical diagnostic laboratories have submitted clinical-significance assessments for this variant to ClinVar after 2014 and classified the variant as VUS (n=2) and likely benign (n=2). Based on the evidence outlined above, the variant was classified as uncertain significance.

Revvity Omics, Revvity
Classification: Uncertain significance. Last evaluated: 2021-04-13. Review status: criteria provided, single submitter. Criteria: ACMG Guidelines, 2015. Collection method: clinical testing. Allele origin: germline.

Ambry Genetics
Classification: Likely benign for Cardiovascular phenotype. Last evaluated: 2020-07-14. Review status: criteria provided, single submitter. Criteria: Ambry Variant Classification Scheme 2023. Collection method: clinical testing. Allele origin: germline.

GeneDx
Classification: Likely benign. Last evaluated: 2018-06-11. Review status: criteria provided, single submitter. Criteria: GeneDx Variant Classification Process June 2021. Collection method: clinical testing. Allele origin: germline. Affected: yes.
Comment: This variant is associated with the following publications: (PMID: 23396983, 23861362)

Illumina Laboratory Services, Illumina
Classification: Uncertain significance for Early-onset myopathy with fatal cardiomyopathy. Last evaluated: 2018-01-13. Review status: criteria provided, single submitter. Criteria: ICSL Variant Classification Criteria 13 December 2019. Collection method: clinical testing. Allele origin: germline.

Illumina Laboratory Services, Illumina
Classification: Likely benign for Tibial muscular dystrophy. Last evaluated: 2018-01-13. Review status: criteria provided, single submitter. Criteria: ICSL Variant Classification Criteria 13 December 2019. Collection method: clinical testing. Allele origin: germline.
Comment: This variant was observed in the ICSL laboratory as part of a predisposition screen in an ostensibly healthy population. It had not been previously curated by ICSL or reported in the Human Gene Mutation Database (HGMD: prior to June 1st, 2018), and was therefore a candidate for classification through an automated scoring system. Utilizing variant allele frequency, disease prevalence and penetrance estimates, and inheritance mode, an automated score was calculated to assess if this variant is too frequent to cause the disease. Based on the score and internal cut-off values, a variant classified as likely benign is not then subjected to further curation. The score for this variant resulted in a classification of likely benign for this disease.

Illumina Laboratory Services, Illumina
Classification: Uncertain significance for Dilated cardiomyopathy 1G. Last evaluated: 2018-01-13. Review status: criteria provided, single submitter. Criteria: ICSL Variant Classification Criteria 13 December 2019. Collection method: clinical testing. Allele origin: germline.

Illumina Laboratory Services, Illumina
Classification: Likely benign for Myopathy, myofibrillar, 9, with early respiratory failure. Last evaluated: 2018-01-13. Review status: criteria provided, single submitter. Criteria: ICSL Variant Classification Criteria 13 December 2019. Collection method: clinical testing. Allele origin: germline.
Comment: the same text as in the submission from Illumina Laboratory Services, Illumina above.

Illumina Laboratory Services, Illumina
Classification: Uncertain significance for Autosomal recessive limb-girdle muscular dystrophy type 2J. Last evaluated: 2018-01-13. Review status: criteria provided, single submitter. Criteria: ICSL Variant Classification Criteria 13 December 2019. Collection method: clinical testing. Allele origin: germline.

Labcorp Genetics (formerly Invitae), Labcorp
Classification: Uncertain significance for Dilated cardiomyopathy 1G; Autosomal recessive limb-girdle muscular dystrophy type 2J. Last evaluated: 2016-11-12. Review status: criteria provided, single submitter. Criteria: Invitae Variant Classification Sherloc (09022015). Collection method: clinical testing. Allele origin: germline.

Biesecker Lab/Clinical Genomics Section, National Institutes of Health
Classification: Uncertain significance. Last evaluated: 2013-06-24. Review status: criteria provided, single submitter. Criteria: Ng et al. (Circ Cardiovasc Genet. 2013). Collection method: research. Allele origin: unknown. Observed: 1 variant allele. Study: ClinSeq.
Comment: The study set was not selected for affection status in relation to any cancer. Pathogenicity categories were based on literature curation. See Pubmed ID:23861362 for details.

Medical sequencing

Literature cited by the submitters: PubMed 26516846 (cited by Women's Health and Genetics/Laboratory Corporation of America, LabCorp); PubMed 30531895 (cited by Women's Health and Genetics/Laboratory Corporation of America, LabCorp).